The following is an entry in ClinVar:

ClinVar aggregate classification (germline): Uncertain significance (1 of 4 stars; one submission).

Allele frequency attached by ClinVar (database versions not stated): gnomAD exomes below 0.00001; ExAC 0.00001; 1000 Genomes Project 0.00020; 1000 Genomes Project 30x 0.00031.
gnomAD v4.1: 5 of 1,614,130 alleles (0.00031%); highest among the groups gnomAD compares: Admixed American, 0.0083%; no homozygotes.

Submission:

Labcorp Genetics (formerly Invitae), Labcorp
Classification: Uncertain significance. Last evaluated: 2024-09-23. Review status: criteria provided, single submitter. Criteria: Invitae Variant Classification Sherloc (09022015). Collection method: clinical testing. Allele origin: germline.
Comment: This sequence change replaces isoleucine, which is neutral and non-polar, with valine, which is neutral and non-polar, at codon 1942 of the FLNB protein (p.Ile1942Val). This variant is not present in population databases (gnomAD no frequency). This variant has not been reported in the literature in individuals affected with FLNB-related conditions. ClinVar contains an entry for this variant (Variation ID: 1508342). Invitae Evidence Modeling of protein sequence and biophysical properties (such as structural, functional, and spatial information, amino acid conservation, physicochemical variation, residue mobility, and thermodynamic stability) indicates that this missense variant is not expected to disrupt FLNB protein function with a negative predictive value of 95%. In summary, the available evidence is currently insufficient to determine the role of this variant in disease. Therefore, it has been classified as a Variant of Uncertain Significance.

NM_001457.4(FLNB):c.5824A>G (p.Ile1942Val)

Gene: FLNB (filamin B; plus strand). Cytogenetic location: 3p14.3.
Variant type: single nucleotide variant.
Coding change: c.5824A>G on transcript NM_001457.4 (MANE Select); coding-DNA position 5824, A replaced by G.
Protein change: p.Ile1942Val; replaces isoleucine 1942 with valine.
Molecular consequence: missense variant.
Genome position (GRCh38, 1-based): chr3:58,148,301, A>G. VCF-style: chr3-58148301-A-G. GRCh37 (hg19) VCF-style: chr3-58134028-A-G.
Other names: c.5917A>G, p.Ile1973Val (NM_001164317.2); c.5791A>G, p.Ile1931Val (NM_001164318.2); c.5752A>G, p.Ile1918Val (NM_001164319.2); short protein forms I1918V, I1931V, I1942V, I1973V.
Identifiers: ClinVar variation 1508342 (VCV001508342.6), dbSNP rs576072178, ClinGen allele CA2469165.
Genomic context (GRCh38, chr3:58,148,301, plus strand): 5'-TCAGCCGCTGACTTCCTGCTCGACATCAGTGAGACTGACCTCAGCAGCCTGACGGCCAGC[A>G]TTAAGGCCCCATCTGGCCGAGACGAGCCCTGTCTCCTGAAGAGGCTGCCCAACAACCACA-3'
Protein context (NP_001448.2, residues 1932-1952): ETDLSSLTAS[Ile1942Val]KAPSGRDEPC